The following is an entry in ClinVar:

ClinVar aggregate classification (germline): Uncertain significance (1 of 4 stars; one submission).

Submission:

Ambry Genetics
Classification: Uncertain significance. Last evaluated: 2026-03-17. Review status: criteria provided, single submitter. Criteria: Ambry Variant Classification Scheme 2023. Collection method: clinical testing. Allele origin: germline.
Comment: The p.H659R variant (also known as c.1976A>G), located in coding exon 11 of the PALLD gene, results from an A to G substitution at nucleotide position 1976. The histidine at codon 659 is replaced by arginine, an amino acid with highly similar properties. This amino acid position is conserved. In addition, this alteration is predicted to be tolerated by in silico analysis. Based on the available evidence, the clinical significance of this variant remains unclear.

NM_001166108.2(PALLD):c.*162A>G

Genes: CBR4 (carbonyl reductase 4; minus strand), PALLD (palladin, cytoskeletal associated protein; plus strand). Cytogenetic location: 4q32.3.
Variant type: single nucleotide variant.
Coding change: c.*162A>G on transcript NM_001166108.2 (MANE Select); 162 bases downstream of the stop codon, A replaced by G.
Molecular consequence: 3 prime UTR variant. On other transcripts: missense variant (4).
Genome position (GRCh38, 1-based): chr4:168,926,342, A>G. VCF-style: chr4-168926342-A-G. GRCh37 (hg19) VCF-style: chr4-169847493-A-G.
Other names: c.2291A>G, p.His764Arg (NM_001166109.2); c.1976A>G, p.His659Arg (NM_001166110.2); c.*162A>G (NM_001367567.1, NM_001367570.1, NM_016081.4); c.1367A>G, p.His456Arg (NM_001367568.1); c.1316A>G, p.His439Arg (NM_001367569.1); short protein forms H439R, H456R, H659R, H764R.
Identifiers: ClinVar variation 4861520 (VCV004861520.1).